The following is an entry in ClinVar:

NM_022765.4(MICAL1):c.2171G>A (p.Cys724Tyr)

Gene: MICAL1 (microtubule associated monooxygenase, calponin and LIM domain containing 1; minus strand). Cytogenetic location: 6q21.
Variant type: single nucleotide variant.
Coding change: c.2171G>A on transcript NM_022765.4 (MANE Select); coding-DNA position 2171, G replaced by A.
Protein change: p.Cys724Tyr; replaces cysteine 724 with tyrosine.
Molecular consequence: missense variant.
Genome position (GRCh38, 1-based): chr6:109,447,129, C>T on the plus strand (G>A on the coding strand, the complement: MICAL1 is on the minus strand). VCF-style: chr6-109447129-C-T. GRCh37 (hg19) VCF-style: chr6-109768332-C-T.
Other names: c.1913G>A, p.Cys638Tyr (NM_001159291.2); c.2228G>A, p.Cys743Tyr (NM_001286613.2); short protein forms C638Y, C724Y, C743Y.
Identifiers: ClinVar variation 1933094 (VCV001933094.5), dbSNP rs749542932, ClinGen allele CA3953035.

ClinVar aggregate classification (germline): Uncertain significance (1 of 4 stars; one submission).

Allele frequency attached by ClinVar (database versions not stated): gnomAD exomes below 0.00001; TOPMed below 0.00001; ExAC 0.00001; gnomAD 0.00001.
gnomAD v4.1: 6 of 1,614,084 alleles (0.00037%); highest among the groups gnomAD compares: Non-Finnish European, 0.00051%; no homozygotes.

Submission:

Labcorp Genetics (formerly Invitae), Labcorp
Classification: Uncertain significance. Last evaluated: 2023-08-24. Review status: criteria provided, single submitter. Criteria: Invitae Variant Classification Sherloc (09022015). Collection method: clinical testing. Allele origin: germline.
Comment: In summary, the available evidence is currently insufficient to determine the role of this variant in disease. Therefore, it has been classified as a Variant of Uncertain Significance. An algorithm developed to predict the effect of missense changes on protein structure and function (PolyPhen-2) suggests that this variant is likely to be disruptive. ClinVar contains an entry for this variant (Variation ID: 1933094). This variant has not been reported in the literature in individuals affected with MICAL1-related conditions. This variant is present in population databases (rs749542932, gnomAD 0.0009%). This sequence change replaces cysteine, which is neutral and slightly polar, with tyrosine, which is neutral and polar, at codon 743 of the MICAL1 protein (p.Cys743Tyr).